The following is an entry in ClinVar:

ClinVar aggregate classification (germline): Uncertain significance (1 of 4 stars; one submission).

Conditions:
Hereditary cancer-predisposing syndrome. Also called: Neoplastic Syndromes, Hereditary; Tumor predisposition; Hereditary Cancer Syndrome; Hereditary neoplastic syndrome. Identifiers: Orphanet 140162, MedGen C0027672, MeSH D009386, MONDO:0015356.

Submission:

Ambry Genetics
Classification: Uncertain significance for Hereditary cancer-predisposing syndrome. Last evaluated: 2026-03-16. Review status: criteria provided, single submitter. Criteria: Ambry Variant Classification Scheme 2023. Collection method: clinical testing. Allele origin: germline.
Comment: The p.L166R variant (also known as c.497T>G), located in coding exon 4 of the TSC1 gene, results from a T to G substitution at nucleotide position 497. The leucine at codon 166 is replaced by arginine, an amino acid with dissimilar properties. This amino acid position is conserved. In addition, this alteration is predicted to be deleterious by in silico analysis. Based on the available evidence, the clinical significance of this variant remains unclear.

NM_000368.5(TSC1):c.497T>G (p.Leu166Arg)

Gene: TSC1 (TSC complex subunit 1; minus strand). Cytogenetic location: 9q34.13.
Variant type: single nucleotide variant.
Coding change: c.497T>G on transcript NM_000368.5 (MANE Select); coding-DNA position 497, T replaced by G.
Protein change: p.Leu166Arg; replaces leucine 166 with arginine.
Molecular consequence: missense variant. On other transcripts: 5 prime UTR variant (5), non-coding transcript variant (5).
Genome position (GRCh38, 1-based): chr9:132,923,359, A>C on the plus strand (T>G on the coding strand, the complement: TSC1 is on the minus strand). VCF-style: chr9-132923359-A-C. GRCh37 (hg19) VCF-style: chr9-135798746-A-C.
Other names: c.497T>G, p.Leu166Arg (NM_001162426.2, NM_001406592.1, NM_001406593.1 and 16 more transcripts); c.344T>G, p.Leu115Arg (NM_001162427.2, NM_001406610.1, NM_001406611.1 and 2 more transcripts); c.134T>G, p.Leu45Arg (NM_001362177.2, NM_001406619.1, NM_001406620.1 and 10 more transcripts); c.-381T>G (NM_001406626.1, NM_001406627.1, NM_001406628.1); c.-523T>G (NM_001406629.1); c.-597T>G (NM_001406630.1); short protein forms L115R, L166R, L45R.
Identifiers: ClinVar variation 4866012 (VCV004866012.1).